The following is an entry in ClinVar:

ClinVar aggregate classification (germline): Pathogenic (1 of 4 stars; one submission).

Submission:

Labcorp Genetics (formerly Invitae), Labcorp
Classification: Pathogenic. Last evaluated: 2024-05-13. Review status: criteria provided, single submitter. Criteria: Invitae Variant Classification Sherloc (09022015). Collection method: clinical testing. Allele origin: germline.
Comment: This sequence change creates a premature translational stop signal (p.Phe287Leufs*34) in the PKLR gene. It is expected to result in an absent or disrupted protein product. Loss-of-function variants in PKLR are known to be pathogenic (PMID: 15953013, 26832193). This variant is not present in population databases (gnomAD no frequency). This variant has not been reported in the literature in individuals affected with PKLR-related conditions. For these reasons, this variant has been classified as Pathogenic.

Literature cited by the submitters: PubMed 15953013; PubMed 26832193.

NM_000298.6(PKLR):c.861del (p.Phe287fs)

Gene: PKLR (pyruvate kinase L/R; minus strand). Cytogenetic location: 1q22.
Variant type: Deletion.
Coding change: c.861del on transcript NM_000298.6 (MANE Select); coding-DNA position 861, one base deleted (T; older notation c.861delT).
Protein change: p.Phe287fs; shifts the reading frame from phenylalanine 287.
Molecular consequence: frameshift variant.
Genome position (GRCh38, 1-based): chr1:155,294,586, A deleted on the plus strand (T on the coding strand, the reverse complement: PKLR is on the minus strand); the first of 3 consecutive A bases (chr1:155,294,586-155,294,588); deleting any one gives the same sequence. VCF-style (leftmost placement, unchanged base first): chr1-155294585-CA-C. GRCh37 (hg19) VCF-style: chr1-155264376-CA-C.
Other names: c.768del, p.Phe256fs (NM_181871.4); short protein forms F256fs, F287fs.
Identifiers: ClinVar variation 3653245 (VCV003653245.2).